The following is an entry in ClinVar:

ClinVar aggregate classification (germline): Likely pathogenic (1 of 4 stars; one submission).

Conditions:
Intellectual disability. Also called: Intellectual functioning disability; intellectual disabilities; Intellectual developmental disorder. Identifiers: MedGen C3714756, MeSH D008607, MONDO:0001071, HP:0001249.

Submission:

Labcorp Genetics (formerly Invitae), Labcorp
Classification: Likely pathogenic for Intellectual disability. Last evaluated: 2022-08-03. Review status: criteria provided, single submitter. Criteria: Invitae Variant Classification Sherloc (09022015). Collection method: clinical testing. Allele origin: germline.
Comment: This sequence change replaces glutamic acid, which is acidic and polar, with aspartic acid, which is acidic and polar, at codon 76 of the GABRB2 protein (p.Glu76Asp). This variant is not present in population databases (gnomAD no frequency). This missense change has been observed in individual(s) with GABRB2-related conditions (Invitae). In at least one individual the variant was observed to be de novo. Advanced modeling of protein sequence and biophysical properties (such as structural, functional, and spatial information, amino acid conservation, physicochemical variation, residue mobility, and thermodynamic stability) performed at Invitae indicates that this missense variant is not expected to disrupt GABRB2 protein function. In summary, the currently available evidence indicates that the variant is pathogenic, but additional data are needed to prove that conclusively. Therefore, this variant has been classified as Likely Pathogenic.

NM_001371727.1(GABRB2):c.228A>T (p.Glu76Asp)

Gene: GABRB2 (gamma-aminobutyric acid type A receptor subunit beta2; minus strand). Cytogenetic location: 5q34.
Variant type: single nucleotide variant.
Coding change: c.228A>T on transcript NM_001371727.1 (MANE Select); coding-DNA position 228, A replaced by T.
Protein change: p.Glu76Asp; replaces glutamic acid 76 with aspartic acid.
Molecular consequence: missense variant.
Genome position (GRCh38, 1-based): chr5:161,545,236, T>A on the plus strand (A>T on the coding strand, the complement: GABRB2 is on the minus strand). VCF-style: chr5-161545236-T-A. GRCh37 (hg19) VCF-style: chr5-160972242-T-A.
Other names: c.228A>T, p.Glu76Asp (NM_000813.3, NM_021911.3); short protein forms E76D.
Identifiers: ClinVar variation 2005333 (VCV002005333.4), dbSNP rs2480166608, ClinGen allele CA362172381.